The following is an entry in ClinVar:

ClinVar aggregate classification (germline): Uncertain significance (1 of 4 stars; one submission).

Allele frequency attached by ClinVar (database versions not stated): TOPMed 0.00001; gnomAD exomes 0.00002.
gnomAD v4.1: 24 of 1,206,610 alleles (0.002%); highest among the groups gnomAD compares: Non-Finnish European, 0.0027%; no homozygotes.

Submission:

GeneDx
Classification: Uncertain significance. Last evaluated: 2024-09-20. Review status: criteria provided, single submitter. Criteria: GeneDx Variant Classification Process June 2021. Collection method: clinical testing. Allele origin: germline. Affected: yes.
Comment: Not observed at significant frequency in large population cohorts (gnomAD); In silico analysis indicates that this missense variant does not alter protein structure/function; Has not been previously published as pathogenic or benign to our knowledge

NM_018486.3(HDAC8):c.8A>C (p.Glu3Ala)

Gene: HDAC8 (histone deacetylase 8; minus strand). Cytogenetic location: Xq13.1.
Variant type: single nucleotide variant.
Coding change: c.8A>C on transcript NM_018486.3 (MANE Select); coding-DNA position 8, A replaced by C.
Protein change: p.Glu3Ala; replaces glutamic acid 3 with alanine.
Molecular consequence: missense variant. On other transcripts: non-coding transcript variant (1).
Genome position (GRCh38, 1-based): chrX:72,572,754, T>G on the plus strand (A>C on the coding strand, the complement: HDAC8 is on the minus strand). VCF-style: chrX-72572754-T-G. GRCh37 (hg19) VCF-style: chrX-71792604-T-G.
Other names: c.8A>C, p.Glu3Ala (NM_001166418.2, NM_001166419.2, NM_001166420.2 and 2 more transcripts); short protein forms E3A.
Identifiers: ClinVar variation 1194710 (VCV001194710.3), dbSNP rs1386102142, ClinGen allele CA413577680.
Genomic context (GRCh38, chrX:72,572,754, plus strand): 5'-TCGGGACTATAGATATAAACCGGGACCAGCGACTGCCCACTGTCCGCCGGTTCCTCCGGC[T>G]CCTCCATCTTCCGCTTAAAACCGTTCCGCAGCCACCTTCCAGATCTGGCTTTTTTCGGAC-3'
Protein context (NP_060956.1, residues 1-13): ME[Glu3Ala]PEEPADSGQS